The following is an entry in ClinVar:

NM_032776.3(JMJD1C):c.64G>A (p.Glu22Lys)

Genes: JMJD1C (jumonji domain containing 1C; minus strand), JMJD1C-AS1 (JMJD1C antisense RNA 1; plus strand). Cytogenetic location: 10q21.3.
Variant type: single nucleotide variant.
Coding change: c.64G>A on transcript NM_032776.3 (MANE Select); coding-DNA position 64, G replaced by A.
Protein change: p.Glu22Lys; replaces glutamic acid 22 with lysine.
Molecular consequence: missense variant. On other transcripts: non-coding transcript variant (1), intron variant (2).
Genome position (GRCh38, 1-based): chr10:63,465,599, C>T on the plus strand (G>A on the coding strand, the complement: JMJD1C is on the minus strand). VCF-style: chr10-63465599-C-T. GRCh37 (hg19) VCF-style: chr10-65225359-C-T.
Other names: c.64G>A, p.Glu22Lys (NM_001322252.2); c.-384+56139G>A (NM_001322258.2); c.-379+56139G>A (NM_001318154.2); short protein forms E22K.
Identifiers: ClinVar variation 969900 (VCV000969900.10), dbSNP rs770258446, ClinGen allele CA5519230.

ClinVar aggregate classification (germline): Uncertain significance (1 of 4 stars; one submission).

Conditions:
Early Myoclonic Encephalopathy. Identifiers: MedGen C0270855.

Allele frequency attached by ClinVar (database versions not stated): ExAC 0.00001; gnomAD exomes 0.00001.

Submission:

Labcorp Genetics (formerly Invitae), Labcorp
Classification: Uncertain significance for Early Myoclonic Encephalopathy. Last evaluated: 2025-06-12. Review status: criteria provided, single submitter. Criteria: Invitae Variant Classification Sherloc (09022015). Collection method: clinical testing. Allele origin: germline.
Comment: This sequence change replaces glutamic acid, which is acidic and polar, with lysine, which is basic and polar, at codon 22 of the JMJD1C protein (p.Glu22Lys). This variant is present in population databases (rs770258446, gnomAD 0.003%). This variant has not been reported in the literature in individuals affected with JMJD1C-related conditions. ClinVar contains an entry for this variant (Variation ID: 969900). An algorithm developed to predict the effect of missense changes on protein structure and function (PolyPhen-2) suggests that this variant is likely to be tolerated. In summary, the available evidence is currently insufficient to determine the role of this variant in disease. Therefore, it has been classified as a Variant of Uncertain Significance.